The following is an entry in ClinVar:

NM_000439.5(PCSK1):c.710G>T (p.Gly237Val)

Genes: CAST (calpastatin; plus strand), PCSK1 (proprotein convertase subtilisin/kexin type 1; minus strand), LOC101929710 (uncharacterized LOC101929710; plus strand). Cytogenetic location: 5q15.
Variant type: single nucleotide variant.
Coding change: c.710G>T on transcript NM_000439.5 (MANE Select); coding-DNA position 710, G replaced by T.
Protein change: p.Gly237Val; replaces glycine 237 with valine.
Molecular consequence: missense variant. On other transcripts: intron variant (11).
Genome position (GRCh38, 1-based): chr5:96,412,490, C>A on the plus strand (G>T on the coding strand, the complement: PCSK1 is on the minus strand). VCF-style: chr5-96412490-C-A. GRCh37 (hg19) VCF-style: chr5-95748194-C-A.
Other names: c.569G>T, p.Gly190Val (NM_001177875.2); c.-175+32838C>A (NM_001423254.1, NM_001423259.1, NM_001423255.1 and 6 more transcripts); c.-103+32838C>A (NM_001423253.1); c.-40+32838C>A (NM_001423258.1); short protein forms G237V, G190V.
Identifiers: ClinVar variation 4993299 (VCV004993299.1).

ClinVar aggregate classification (germline): Uncertain significance (1 of 4 stars; one submission).

Conditions:
PCSK1-related disorder. Also called: PCSK1-related condition.

Submission:

PreventionGenetics, part of Exact Sciences
Classification: Uncertain significance for PCSK1-related condition. Last evaluated: 2026-07-23. Review status: criteria provided, single submitter. Criteria: ACMG Guidelines, 2015. Collection method: clinical testing. Allele origin: germline.
Comment: The PCSK1 c.710G>T variant is predicted to result in the amino acid substitution p.Gly237Val. To our knowledge, this variant has not been reported in the literature or in a large population database (gnomAD), indicating this variant is rare. At this time, the clinical significance of this variant is uncertain due to the absence of conclusive functional and genetic evidence.